The following is an entry in ClinVar:

NM_016151.4(TAOK2):c.2736G>C (p.Gly912=)

Gene: TAOK2 (TAO kinase 2; plus strand). Cytogenetic location: 16p11.2.
Variant type: single nucleotide variant.
Coding change: c.2736G>C on transcript NM_016151.4 (MANE Select); coding-DNA position 2736, G replaced by C.
Protein change: p.Gly912=; no amino-acid change (glycine 912 retained).
Molecular consequence: synonymous variant. On other transcripts: intron variant (1).
Genome position (GRCh38, 1-based): chr16:29,987,008, G>C. VCF-style: chr16-29987008-G-C. GRCh37 (hg19) VCF-style: chr16-29998329-G-C.
Other names: c.2397G>C, p.Gly799= (NM_001252043.2); c.2232+504G>C (NM_004783.4).
Identifiers: ClinVar variation 3049699 (VCV003049699.2), dbSNP rs2543666449, ClinGen allele CA494887931.

ClinVar aggregate classification (germline): Likely benign (0 of 4 stars; one submission).

Conditions:
TAOK2-related disorder. Also called: TAOK2-related condition.

Submission:

PreventionGenetics, part of Exact Sciences
Classification: Likely benign for TAOK2-related condition. Last evaluated: 2019-07-12. Review status: no assertion criteria provided. Collection method: clinical testing. Allele origin: germline.
Comment: This variant is classified as likely benign based on ACMG/AMP sequence variant interpretation guidelines (Richards et al. 2015 PMID: 25741868, with internal and published modifications).